The following is an entry in ClinVar:

ClinVar aggregate classification (germline): Pathogenic (1 of 4 stars; one submission).

Submission:

Labcorp Genetics (formerly Invitae), Labcorp
Classification: Pathogenic. Last evaluated: 2023-03-11. Review status: criteria provided, single submitter. Criteria: Invitae Variant Classification Sherloc (09022015). Collection method: clinical testing. Allele origin: germline.
Comment: For these reasons, this variant has been classified as Pathogenic. This variant has not been reported in the literature in individuals affected with TNFAIP3-related conditions. This variant is not present in population databases (gnomAD no frequency). This sequence change creates a premature translational stop signal (p.Gln150*) in the TNFAIP3 gene. It is expected to result in an absent or disrupted protein product. Loss-of-function variants in TNFAIP3 are known to be pathogenic (PMID: 26642243).

Literature cited by the submitters: PubMed 26642243.

NM_001270508.2(TNFAIP3):c.448C>T (p.Gln150Ter)

Gene: TNFAIP3 (TNF alpha induced protein 3; plus strand). Cytogenetic location: 6q23.3.
Variant type: single nucleotide variant.
Coding change: c.448C>T on transcript NM_001270508.2 (MANE Select); coding-DNA position 448, C replaced by T.
Protein change: p.Gln150Ter; replaces glutamine 150 with a stop codon.
Molecular consequence: nonsense.
Genome position (GRCh38, 1-based): chr6:137,874,997, C>T. VCF-style: chr6-137874997-C-T. GRCh37 (hg19) VCF-style: chr6-138196134-C-T.
Other names: c.448C>T, p.Gln150Ter (NM_001270507.2, NM_006290.4); short protein forms Q150*.
Identifiers: ClinVar variation 2844972 (VCV002844972.3), dbSNP rs2114478790, ClinGen allele CA365782390.
Genomic context (GRCh38, chr6:137,874,997, plus strand): 5'-CTCAAGGAAACAGACACACGCAACTTTAAATTCCGCTGGCAACTGGAGTCTCTCAAATCT[C>T]AGGAATTTGTTGAAACGGGGCTTTGCTATGATACTCGGGTAGGTTTTTCCCCCTAATTAT-3'